The following is an entry in ClinVar:

ClinVar aggregate classification (germline): Conflicting classifications of pathogenicity. Review status: criteria provided, conflicting classifications (1 of 4 stars). 4 submissions from 3 submitters: Uncertain significance (3); Likely benign (1). Last evaluated 2024-02-13.

Conditions:
Autosomal dominant nocturnal frontal lobe epilepsy 5. Also called: CILIARY DYSKINESIA, PRIMARY, 28, WITHOUT SITUS INVERSUS; KCNT1-Related Epilepsy; CILIARY DYSKINESIA, PRIMARY, 28, WITH SITUS INVERSUS; Epilepsy, nocturnal frontal lobe, 5. Identifiers: Orphanet 98784, MedGen C3554306, MONDO:0014002, OMIM 615005.
Developmental and epileptic encephalopathy, 14 (DEE14). Also called: Early infantile epileptic encephalopathy 14. Identifiers: Orphanet 293181, MedGen C3554195, MONDO:0013989, OMIM 614959.

Allele frequency attached by ClinVar (database versions not stated): TOPMed 0.00001; gnomAD 0.00002.
gnomAD v4.1: 82 of 1,612,876 alleles (0.0051%); highest among the groups gnomAD compares: Non-Finnish European, 0.0066%; no homozygotes.

Submissions (4):

GeneDx
Classification: Likely benign. Last evaluated: 2024-02-13. Review status: criteria provided, single submitter. Criteria: GeneDx Variant Classification Process June 2021. Collection method: clinical testing. Allele origin: germline. Affected: yes.
Comment: See Variant Classification Assertion Criteria.

Labcorp Genetics (formerly Invitae), Labcorp
Classification: Uncertain significance for Autosomal dominant nocturnal frontal lobe epilepsy 5; Developmental and epileptic encephalopathy, 14. Last evaluated: 2024-01-20. Review status: criteria provided, single submitter. Criteria: Invitae Variant Classification Sherloc (09022015). Collection method: clinical testing. Allele origin: germline.
Comment: This sequence change replaces proline, which is neutral and non-polar, with histidine, which is basic and polar, at codon 1053 of the KCNT1 protein (p.Pro1053His). This variant is present in population databases (rs776239808, gnomAD 0.002%). This variant has not been reported in the literature in individuals affected with KCNT1-related conditions. ClinVar contains an entry for this variant (Variation ID: 838861). An algorithm developed to predict the effect of missense changes on protein structure and function (PolyPhen-2) suggests that this variant is likely to be tolerated. In summary, the available evidence is currently insufficient to determine the role of this variant in disease. Therefore, it has been classified as a Variant of Uncertain Significance.

Genome-Nilou Lab
Classification: Uncertain significance for Developmental and epileptic encephalopathy, 14. Last evaluated: 2022-03-15. Review status: criteria provided, single submitter. Criteria: ACMG Guidelines, 2015. Collection method: clinical testing. Allele origin: germline. Affected: no.

Genome-Nilou Lab
Classification: Uncertain significance for Autosomal dominant nocturnal frontal lobe epilepsy 5. Last evaluated: 2022-03-15. Review status: criteria provided, single submitter. Criteria: ACMG Guidelines, 2015. Collection method: clinical testing. Allele origin: germline. Affected: no.

NM_020822.3(KCNT1):c.3158C>A (p.Pro1053His)

Gene: KCNT1 (potassium sodium-activated channel subfamily T member 1; plus strand). Cytogenetic location: 9q34.3.
Variant type: single nucleotide variant.
Coding change: c.3158C>A on transcript NM_020822.3 (MANE Select); coding-DNA position 3158, C replaced by A.
Protein change: p.Pro1053His; replaces proline 1053 with histidine.
Molecular consequence: missense variant.
Genome position (GRCh38, 1-based): chr9:135,785,311, C>A. VCF-style: chr9-135785311-C-A. GRCh37 (hg19) VCF-style: chr9-138677157-C-A.
Other names: c.3023C>A, p.Pro1008His (NM_001272003.2); short protein forms P1008H, P1053H.
Identifiers: ClinVar variation 838861 (VCV000838861.13), dbSNP rs776239808, ClinGen allele CA201422309.